The following is an entry in ClinVar:

ClinVar aggregate classification (germline): Uncertain significance (1 of 4 stars; one submission).

Conditions:
Inborn genetic diseases. Identifiers: MedGen C0950123, MeSH D030342.

Submission:

Ambry Genetics
Classification: Uncertain significance for Inborn genetic diseases. Last evaluated: 2025-04-03. Review status: criteria provided, single submitter. Criteria: Ambry Variant Classification Scheme 2023. Collection method: clinical testing. Allele origin: germline.
Comment: The p.P818A variant (also known as c.2452C>G), located in coding exon 21 of the KDM1A gene, results from a C to G substitution at nucleotide position 2452. The proline at codon 818 is replaced by alanine, an amino acid with highly similar properties. This amino acid position is conserved. In addition, the in silico prediction for this alteration is inconclusive. Based on the available evidence, the clinical significance of this variant remains unclear.

NM_001009999.3(KDM1A):c.2452C>G (p.Pro818Ala)

Gene: KDM1A (lysine demethylase 1A; plus strand). Cytogenetic location: 1p36.12.
Variant type: single nucleotide variant.
Coding change: c.2452C>G on transcript NM_001009999.3 (MANE Select); coding-DNA position 2452, C replaced by G.
Protein change: p.Pro818Ala; replaces proline 818 with alanine.
Molecular consequence: missense variant. On other transcripts: 3 prime UTR variant (1).
Genome position (GRCh38, 1-based): chr1:23,083,185, C>G. VCF-style: chr1-23083185-C-G. GRCh37 (hg19) VCF-style: chr1-23409678-C-G.
Other names: c.2398C>G, p.Pro800Ala (NM_001363654.2); c.2458C>G, p.Pro820Ala (NM_001410762.1); c.*700C>G (NM_001410763.1); c.2380C>G, p.Pro794Ala (NM_015013.4); short protein forms P800A, P818A, P794A, P820A.
Identifiers: ClinVar variation 4042080 (VCV004042080.1).
Genomic context (GRCh38, chr1:23,083,185, plus strand): 5'-AAGAATAAAGGTATATGTGCAGCCTGCCAATTTTCTCTTTTTCCCCTAAAATAGCCGATT[C>G]CACGACTCTTCTTTGCGGGAGAACATACGATCCGTAACTACCCAGCCACAGTGCATGGTG-3'
Protein context (NP_001009999.1, residues 808-828): PSIPGAPQPI[Pro818Ala]RLFFAGEHTI